The following is an entry in ClinVar:

NM_021076.4(NEFH):c.1138G>A (p.Ala380Thr)

Gene: NEFH (neurofilament heavy chain; plus strand). Cytogenetic location: 22q12.2.
Variant type: single nucleotide variant.
Coding change: c.1138G>A on transcript NM_021076.4 (MANE Select); coding-DNA position 1138, G replaced by A.
Protein change: p.Ala380Thr; replaces alanine 380 with threonine.
Molecular consequence: missense variant.
Genome position (GRCh38, 1-based): chr22:29,485,777, G>A. VCF-style: chr22-29485777-G-A. GRCh37 (hg19) VCF-style: chr22-29881766-G-A.
Other names: short protein forms A380T.
Identifiers: ClinVar variation 66726 (VCV000066726.14), dbSNP rs201416955, ClinGen allele CA217626.

ClinVar aggregate classification (germline): Benign/Likely benign. Review status: criteria provided, multiple submitters, no conflicts (2 of 4 stars). 4 submissions from 4 submitters: Benign (1); Likely benign (1). 2 of the submissions do not count toward it. Last evaluated 2025-10-10.

Conditions:
NEFH-related disorder. Also called: NEFH-related condition.
Inborn genetic diseases. Identifiers: MedGen C0950123, MeSH D030342.

Allele frequency attached by ClinVar (database versions not stated): gnomAD 0.00025 and 0.00029; TOPMed 0.00037; gnomAD exomes 0.00046; ExAC 0.00048; 1000 Genomes Project 0.00140; 1000 Genomes Project 30x 0.00172.
gnomAD v4.1: 290 of 1,614,158 alleles (0.018%); highest among the groups gnomAD compares: East Asian, 0.39%; no homozygotes.

Submissions (4):

Labcorp Genetics (formerly Invitae), Labcorp
Classification: Benign. Last evaluated: 2025-10-10. Review status: criteria provided, single submitter. Criteria: Invitae Variant Classification Sherloc (09022015). Collection method: clinical testing. Allele origin: germline.

Ambry Genetics
Classification: Likely benign for Inborn genetic diseases. Last evaluated: 2019-09-26. Review status: criteria provided, single submitter. Criteria: Ambry Variant Classification Scheme 2023. Collection method: clinical testing. Allele origin: germline.

PreventionGenetics, part of Exact Sciences
Classification: Likely benign for NEFH-related condition. Last evaluated: 2020-07-23. Review status: no assertion criteria provided. Collection method: clinical testing. Allele origin: germline. Not counted in ClinVar's aggregate classification.
Comment: This variant is classified as likely benign based on ACMG/AMP sequence variant interpretation guidelines (Richards et al. 2015 PMID: 25741868, with internal and published modifications).

Epithelial Biology;  Institute of Medical Biology, Singapore
No classification provided. Review status: no classification provided. Collection method: not provided. Allele origin: not provided. Not counted in ClinVar's aggregate classification.